The following is an entry in ClinVar:

ClinVar aggregate classification (germline): Uncertain significance (1 of 4 stars; one submission).

Submission:

Labcorp Genetics (formerly Invitae), Labcorp
Classification: Uncertain significance. Last evaluated: 2022-04-20. Review status: criteria provided, single submitter. Criteria: Invitae Variant Classification Sherloc (09022015). Collection method: clinical testing. Allele origin: germline.
Comment: In summary, the available evidence is currently insufficient to determine the role of this variant in disease. Therefore, it has been classified as a Variant of Uncertain Significance. Advanced modeling of protein sequence and biophysical properties (such as structural, functional, and spatial information, amino acid conservation, physicochemical variation, residue mobility, and thermodynamic stability) performed at Invitae indicates that this missense variant is not expected to disrupt TAF1 protein function. This variant has not been reported in the literature in individuals affected with TAF1-related conditions. This variant is not present in population databases (gnomAD no frequency). This sequence change replaces asparagine, which is neutral and polar, with threonine, which is neutral and polar, at codon 1567 of the TAF1 protein (p.Asn1567Thr).

NM_004606.5(TAF1):c.4640A>C (p.Asn1547Thr)

Gene: TAF1 (TATA-box binding protein associated factor 1; plus strand). Cytogenetic location: Xq13.1.
Variant type: single nucleotide variant.
Coding change: c.4640A>C on transcript NM_004606.5 (MANE Select); coding-DNA position 4640, A replaced by C.
Protein change: p.Asn1547Thr; replaces asparagine 1547 with threonine.
Molecular consequence: missense variant. On other transcripts: non-coding transcript variant (9).
Genome position (GRCh38, 1-based): chrX:71,424,038, A>C. VCF-style: chrX-71424038-A-C. GRCh37 (hg19) VCF-style: chrX-70643888-A-C.
Other names: c.4640A>C, p.Asn1547Thr (NM_001286074.2); c.4577A>C, p.Asn1526Thr (NM_138923.4); short protein forms N1526T, N1547T.
Identifiers: ClinVar variation 2128568 (VCV002128568.4), dbSNP rs760088260, ClinGen allele CA413542731.